The following is an entry in ClinVar:

NM_001032283.3(TMPO):c.170C>T (p.Thr57Ile)

Genes: TMPO (thymopoietin; plus strand), TMPO-AS1 (TMPO antisense RNA 1; minus strand). Cytogenetic location: 12q23.1.
Variant type: single nucleotide variant.
Coding change: c.170C>T on transcript NM_001032283.3 (MANE Select); coding-DNA position 170, C replaced by T.
Protein change: p.Thr57Ile; replaces threonine 57 with isoleucine.
Molecular consequence: missense variant. On other transcripts: non-coding transcript variant (1).
Genome position (GRCh38, 1-based): chr12:98,516,037, C>T. VCF-style: chr12-98516037-C-T. GRCh37 (hg19) VCF-style: chr12-98909815-C-T.
Other names: c.170C>T, p.Thr57Ile (NM_001307975.2, NM_003276.2, NM_001032284.3); short protein forms T57I.
Identifiers: ClinVar variation 2041234 (VCV002041234.4), dbSNP rs750410131, ClinGen allele CA386239577.

ClinVar aggregate classification (germline): Uncertain significance (1 of 4 stars; one submission).

Conditions:
Loeys-Dietz syndrome 2 (LDS2). Also called: TGFBR2-Related Loeys-Dietz Syndrome; AORTIC ANEURYSM, FAMILIAL THORACIC 3; MARFAN SYNDROME, TYPE II; Marfan syndrome, type 2 (formerly); Marfan Syndrome type 2; Marfan like connective tissue disorder. Identifiers: Orphanet 284973, Orphanet 558, MedGen C2674574, MONDO:0012427, OMIM 610168.

gnomAD v4.1: 2 of 1,611,654 alleles (0.00012%); highest among the groups gnomAD compares: African/African-American, 0.0013%; no homozygotes.

Submission:

Labcorp Genetics (formerly Invitae), Labcorp
Classification: Uncertain significance for Loeys-Dietz syndrome 2. Last evaluated: 2022-06-26. Review status: criteria provided, single submitter. Criteria: Invitae Variant Classification Sherloc (09022015). Collection method: clinical testing. Allele origin: germline.
Comment: In summary, the available evidence is currently insufficient to determine the role of this variant in disease. Therefore, it has been classified as a Variant of Uncertain Significance. Algorithms developed to predict the effect of missense changes on protein structure and function (SIFT, PolyPhen-2, Align-GVGD) all suggest that this variant is likely to be tolerated. This variant has not been reported in the literature in individuals affected with TMPO-related conditions. This variant is not present in population databases (gnomAD no frequency). This sequence change replaces threonine, which is neutral and polar, with isoleucine, which is neutral and non-polar, at codon 57 of the TMPO protein (p.Thr57Ile).